The following is an entry in ClinVar:

NM_015102.5(NPHP4):c.2930C>T (p.Thr977Met)

Gene: NPHP4 (nephrocystin 4; minus strand). Cytogenetic location: 1p36.31.
Variant type: single nucleotide variant.
Coding change: c.2930C>T on transcript NM_015102.5 (MANE Select); coding-DNA position 2930, C replaced by T.
Protein change: p.Thr977Met; replaces threonine 977 with methionine.
Molecular consequence: missense variant. On other transcripts: non-coding transcript variant (1).
Genome position (GRCh38, 1-based): chr1:5,874,988, G>A on the plus strand (C>T on the coding strand, the complement: NPHP4 is on the minus strand). VCF-style: chr1-5874988-G-A. GRCh37 (hg19) VCF-style: chr1-5935048-G-A.
Other names: p.Thr977Met; c.1391C>T, p.Thr464Met (NM_001291593.2); c.1394C>T, p.Thr465Met (NM_001291594.2); short protein forms T464M, T465M, T977M.
Identifiers: ClinVar variation 812121 (VCV000812121.15), dbSNP rs569364202, ClinGen allele CA553871.
Genomic context (GRCh38, chr1:5,874,988, plus strand): 5'-TTCTTAAGCACAAACTCAAAGAACTCGGCGACCCCCAGCGTGGCGTGGAGCGTGTGCTCC[G>A]TGGTGATGGCCAGGCTCAGCAGGCTGGCGATGCTCTCGGCCTTCGTGCGTTCCCGGTAGG-3'
Protein context (NP_055917.1, residues 967-987): IASLLSLAIT[Thr977Met]EHTLHATLGV

ClinVar aggregate classification (germline): Conflicting classifications of pathogenicity. Review status: criteria provided, conflicting classifications (1 of 4 stars). 8 submissions from 8 submitters: Pathogenic (1); Uncertain significance (2); Likely benign (4). 1 of the submissions does not count toward it. Last evaluated 2026-09-04.

Conditions:
Nephronophthisis 4 (NPHP4). Also called: NEPHRONOPHTHISIS 4, JUVENILE. Identifiers: Orphanet 655, MedGen C1847013, MONDO:0011752, OMIM 606966.
Senior-Loken syndrome 4 (SLSN4). Identifiers: Orphanet 3156, MedGen C1846979, MONDO:0011756, OMIM 606996.
NPHP4-related disorder. Also called: NPHP4-related condition; NPHP4-related disorders. Identifiers: MedGen CN239384.
Nephronophthisis. Also called: Juvenile Nephronophthisis. Identifiers: Orphanet 655, MedGen C0687120, MONDO:0019005, HP:0000090.
Infantile nephronophthisis (NPHP2). Also called: Nephronophthisis 2; Nephronophthisis 2, infantile. Identifiers: Orphanet 655, Orphanet 93591, MedGen C1865872, MONDO:0011190, OMIM 602088.

Allele frequency attached by ClinVar (database versions not stated): gnomAD 0.00006 and 0.00014; TOPMed 0.00009; gnomAD exomes 0.00021 and 0.00040; ExAC 0.00049; 1000 Genomes Project 30x 0.00094; 1000 Genomes Project 0.00120.
gnomAD v4.1: 326 of 1,612,672 alleles (0.02%); highest among the groups gnomAD compares: South Asian, 0.26%; 2 homozygotes.

Submissions (8):

PreventionGenetics, part of Exact Sciences
Classification: Likely benign for NPHP4-related condition. Last evaluated: 2026-09-04. Review status: criteria provided, single submitter. Criteria: ACMG Guidelines, 2015. Collection method: clinical testing. Allele origin: germline.
Comment: This variant is classified as likely benign based on ACMG/AMP sequence variant interpretation guidelines (Richards et al. 2015 PMID: 25741868, with internal and published modifications).

Labcorp Genetics (formerly Invitae), Labcorp
Classification: Likely benign for Nephronophthisis. Last evaluated: 2025-12-06. Review status: criteria provided, single submitter. Criteria: Invitae Variant Classification Sherloc (09022015). Collection method: clinical testing. Allele origin: germline.

Blueprint Genetics
Classification: Likely benign. Last evaluated: 2024-03-20. Review status: criteria provided, single submitter. Criteria: ACMG Guidelines, 2015. Collection method: clinical testing. Allele origin: germline.

Fulgent Genetics
Classification: Likely benign for Nephronophthisis 4; Senior-Loken syndrome 4. Last evaluated: 2024-02-19. Review status: criteria provided, single submitter. Criteria: ACMG Guidelines, 2015. Collection method: clinical testing. Allele origin: germline.

Neuberg Centre For Genomic Medicine, NCGM
Classification: Uncertain significance for Nephronophthisis 4. Last evaluated: 2023-05-20. Review status: criteria provided, single submitter. Criteria: ACMG Guidelines, 2015. Collection method: clinical testing. Allele origin: germline. Inheritance: Autosomal recessive inheritance. Affected: yes.
Comment: The observed missense variant c.2930C>T (p.Thr977Met) in the NPHP4 gene has not been reported previously as a pathogenic variant nor as a benign variant, to our knowledge. This variant is reported with the allele frequency 0.04% in the gnomAD Exomes. The amino acid Threonine at position 977 is changed to a Methionine changing protein sequence and it might alter its composition and physico-chemical properties. Multiple lines of computational evidence (Polyphen - Damaging, SIFT - Damaging and MutationTaster - Disease causing) predict a damaging effect on protein structure and function for this variant. The residue is conserved by GERP++ and PhyloP across 100 vertebrates. For these reasons, this variant has been classified as Uncertain Significance.

Foundation for Research in Genetics and Endocrinology, FRIGE's Institute of Human Genetics
Classification: Uncertain significance for Nephronophthisis 4. Last evaluated: 2022-08-06. Review status: criteria provided, single submitter. Criteria: ACMG Guidelines, 2015. Collection method: clinical testing. Allele origin: germline. Inheritance: Autosomal recessive inheritance. Affected: yes. Observed: 1 compound heterozygote.
Comment: A heterozygous missense variation in exon 21 of NPHP4 gene that resulted in the amino acid substitution of methionine for Threonine at codon 977 was detected. This variant has a minor allele frequency of 0.1%, and 0.01% in the 1000 genomes and gnomAD databases respectively. The in-silico predictions of the variant are possibly damaging by PolyPhen-2 (HumDiv) and damaging by SIFT and MutationTaster2. The reference codon/ is conserved across species. In summary the variant meets our criteria to be classified as a variant of uncertain significance.

Centre for Genomic Medicine, Manchester, Central Manchester University Hospitals
Classification: Pathogenic for Senior-Loken syndrome 4. Last evaluated: 2019-02-01. Review status: criteria provided, single submitter. Criteria: ACMG Guidelines, 2015. Collection method: clinical testing. Allele origin: germline. Affected: yes. Observed: 1 variant allele, 1 compound heterozygote.

Human Molecular Genetics Lab, PMAS-arid Agriculture University Rawalpindi
Classification: Pathogenic for Infantile nephronophthisis. Last evaluated: 2025-11-17. Review status: no assertion criteria provided. Collection method: clinical testing. Allele origin: germline. Inheritance: Autosomal recessive inheritance. Affected: yes. Observed: 1 variant allele, 1 homozygote. Not counted in ClinVar's aggregate classification.